The following is an entry in ClinVar:

NM_000388.4(CASR):c.1036G>C (p.Gly346Arg)

Gene: CASR (calcium sensing receptor; plus strand). Cytogenetic location: 3q21.1.
Variant type: single nucleotide variant.
Coding change: c.1036G>C on transcript NM_000388.4 (MANE Select); coding-DNA position 1036, G replaced by C.
Protein change: p.Gly346Arg; replaces glycine 346 with arginine.
Molecular consequence: missense variant.
Genome position (GRCh38, 1-based): chr3:122,262,071, G>C. VCF-style: chr3-122262071-G-C. GRCh37 (hg19) VCF-style: chr3-121980918-G-C.
Other names: c.1036G>C, p.Gly346Arg (NM_001178065.2); short protein forms G346R.
Identifiers: ClinVar variation 2934482 (VCV002934482.3), dbSNP rs2473227788, ClinGen allele CA354152275.

ClinVar aggregate classification (germline): Uncertain significance (1 of 4 stars; one submission).

Conditions:
Autosomal dominant hypocalcemia 1 (HYPOC1). Also called: HYPOCALCEMIA, FAMILIAL. Identifiers: MedGen C3715128, MONDO:0011013, OMIM 601198.
Familial hypocalciuric hypercalcemia (FHH). Also called: Familial benign hypercalcemia. Identifiers: Orphanet 405, MedGen C1809471, MONDO:0018458.

gnomAD v4.1: 3 of 1,614,154 alleles (0.00019%); highest among the groups gnomAD compares: Non-Finnish European, 0.00025%; no homozygotes.

Submission:

Labcorp Genetics (formerly Invitae), Labcorp
Classification: Uncertain significance for Familial hypocalciuric hypercalcemia; Autosomal dominant hypocalcemia 1. Last evaluated: 2023-09-10. Review status: criteria provided, single submitter. Criteria: Invitae Variant Classification Sherloc (09022015). Collection method: clinical testing. Allele origin: germline.
Comment: In summary, the available evidence is currently insufficient to determine the role of this variant in disease. Therefore, it has been classified as a Variant of Uncertain Significance. An algorithm developed to predict the effect of missense changes on protein structure and function (PolyPhen-2) suggests that this variant is likely to be disruptive. This variant has not been reported in the literature in individuals affected with CASR-related conditions. This variant is not present in population databases (gnomAD no frequency). This sequence change replaces glycine, which is neutral and non-polar, with arginine, which is basic and polar, at codon 346 of the CASR protein (p.Gly346Arg).